The following is an entry in ClinVar:

NM_006642.5(SDCCAG8):c.1594G>A (p.Glu532Lys)

Gene: SDCCAG8 (SHH signaling and ciliogenesis regulator SDCCAG8; plus strand). Cytogenetic location: 1q43.
Variant type: single nucleotide variant.
Coding change: c.1594G>A on transcript NM_006642.5 (MANE Select); coding-DNA position 1594, G replaced by A.
Protein change: p.Glu532Lys; replaces glutamic acid 532 with lysine.
Molecular consequence: missense variant.
Genome position (GRCh38, 1-based): chr1:243,378,841, G>A. VCF-style: chr1-243378841-G-A. GRCh37 (hg19) VCF-style: chr1-243542143-G-A.
Other names: c.691G>A, p.Glu231Lys (NM_001350246.2, NM_001350247.2, NM_001350251.2); c.1690G>A, p.Glu564Lys (NM_001350248.2); c.1300G>A, p.Glu434Lys (NM_001350249.2); short protein forms E434K, E532K, E231K, E564K.
Identifiers: ClinVar variation 873717 (VCV000873717.14), dbSNP rs753709808, ClinGen allele CA1483685.

ClinVar aggregate classification (germline): Uncertain significance. Review status: criteria provided, multiple submitters, no conflicts (2 of 4 stars). 6 submissions from 5 submitters: Uncertain significance (6). Last evaluated 2026-08-24.

Conditions:
SDCCAG8-related disorder. Also called: SDCCAG8-related condition; SDCCAG8-Related Disorders.
Bardet-Biedl syndrome 16 (BBS16). Identifiers: Orphanet 110, MedGen C3889474, MONDO:0014444, OMIM 615993.
Senior-Loken syndrome 7 (SLSN7). Identifiers: Orphanet 3156, MedGen C3150877, MONDO:0013326, OMIM 613615.

Allele frequency attached by ClinVar (database versions not stated): gnomAD below 0.00001 and 0.00001; TOPMed below 0.00001; gnomAD exomes 0.00003 and 0.00006; ExAC 0.00009.
gnomAD v4.1: 45 of 1,613,970 alleles (0.0028%); highest among the groups gnomAD compares: South Asian, 0.046%; no homozygotes.

Submissions (6):

PreventionGenetics, part of Exact Sciences
Classification: Uncertain significance for SDCCAG8-related condition. Last evaluated: 2026-08-24. Review status: criteria provided, single submitter. Criteria: ACMG Guidelines, 2015. Collection method: clinical testing. Allele origin: germline.
Comment: The SDCCAG8 c.1594G>A variant is predicted to result in the amino acid substitution p.Glu532Lys. This variant was reported in an individual with Bardet-Biedl syndrome, who had two causative variants in ARL6 gene (Lindstrand et al. 2016. PubMed ID: 27486776). This variant is reported in 0.049% of alleles in individuals of South Asian descent in gnomAD. At this time, the clinical significance of this variant is uncertain due to the absence of conclusive functional and genetic evidence.

Fulgent Genetics
Classification: Uncertain significance for Senior-Loken syndrome 7; Bardet-Biedl syndrome 16. Last evaluated: 2024-04-18. Review status: criteria provided, single submitter. Criteria: ACMG Guidelines, 2015. Collection method: clinical testing. Allele origin: germline.

Labcorp Genetics (formerly Invitae), Labcorp
Classification: Uncertain significance for Bardet-Biedl syndrome 16; Senior-Loken syndrome 7. Last evaluated: 2021-08-04. Review status: criteria provided, single submitter. Criteria: Invitae Variant Classification Sherloc (09022015). Collection method: clinical testing. Allele origin: germline.
Comment: This variant is present in population databases (rs753709808, ExAC 0.06%). This sequence change replaces glutamic acid with lysine at codon 532 of the SDCCAG8 protein (p.Glu532Lys). The glutamic acid residue is highly conserved and there is a small physicochemical difference between glutamic acid and lysine. This variant has been observed in individual(s) with Bardet-Biedl syndrome (PMID: 27486776). ClinVar contains an entry for this variant (Variation ID: 873717). In summary, the available evidence is currently insufficient to determine the role of this variant in disease. Therefore, it has been classified as a Variant of Uncertain Significance. Algorithms developed to predict the effect of missense changes on protein structure and function are either unavailable or do not agree on the potential impact of this missense change (SIFT: "Deleterious"; PolyPhen-2: "Probably Damaging"; Align-GVGD: "Class C0").

Baylor Genetics
Classification: Uncertain significance for Bardet-Biedl syndrome 16. Last evaluated: 2019-05-03. Review status: criteria provided, single submitter. Criteria: ACMG Guidelines, 2015. Collection method: clinical testing. Allele origin: unknown. Affected: yes.
Comment: This variant was determined to be of uncertain significance according to ACMG Guidelines, 2015 [PMID:25741868].

Illumina Laboratory Services, Illumina
Classification: Uncertain significance for Bardet-Biedl syndrome 16. Last evaluated: 2017-04-27. Review status: criteria provided, single submitter. Criteria: ICSL Variant Classification Criteria 13 December 2019. Collection method: clinical testing. Allele origin: germline.

Illumina Laboratory Services, Illumina
Classification: Uncertain significance for Senior-Loken syndrome 7. Last evaluated: 2017-04-27. Review status: criteria provided, single submitter. Criteria: ICSL Variant Classification Criteria 13 December 2019. Collection method: clinical testing. Allele origin: germline.

Literature cited by the submitters: PubMed 27486776 (cited by Labcorp Genetics (formerly Invitae), Labcorp).